The following is an entry in ClinVar:

ClinVar aggregate classification (germline): Uncertain significance. Review status: criteria provided, multiple submitters, no conflicts (2 of 4 stars). 4 submissions from 4 submitters: Uncertain significance (4). Last evaluated 2026-08-19.

Conditions:
ATM-related disorder. Also called: ATM-related disorders; ATM-related condition.
Hereditary cancer-predisposing syndrome. Also called: Neoplastic Syndromes, Hereditary; Hereditary Cancer Syndrome; Tumor predisposition; Hereditary neoplastic syndrome. Identifiers: Orphanet 140162, MedGen C0027672, MeSH D009386, MONDO:0015356.
Ataxia-telangiectasia syndrome (AT). Also called: LOUIS-BAR SYNDROME; AT, COMPLEMENTATION GROUP C; Ataxia telangiectasia (A-T); Cerebello-oculocutaneous telangiectasia; Immunodeficiency with ataxia telangiectasia; Ataxia-telangiectasia. Identifiers: Orphanet 100, MedGen C0004135, MONDO:0008840, OMIM 208900.
Familial cancer of breast. Also called: Hereditary breast cancer; BREAST CANCER, FAMILIAL; hereditary breast carcinoma. Identifiers: Orphanet 227535, MedGen C0346153, MONDO:0016419, OMIM 114480. Disease mechanism: loss of function.

gnomAD v4.1: 1 of 1,612,130 alleles (0.000062%); no homozygotes.

Submissions (4):

Ambry Genetics
Classification: Uncertain significance for Hereditary cancer-predisposing syndrome. Last evaluated: 2026-08-19. Review status: criteria provided, single submitter. Criteria: Ambry Variant Classification Scheme 2023. Collection method: clinical testing. Allele origin: germline.
Comment: The p.D126Y variant (also known as c.376G>T), located in coding exon 4 of the ATM gene, results from a G to T substitution at nucleotide position 376. The aspartic acid at codon 126 is replaced by tyrosine, an amino acid with highly dissimilar properties. This amino acid position is not well conserved in available vertebrate species. In addition, this alteration is predicted to be tolerated by in silico analysis. Since supporting evidence is limited at this time, the clinical significance of this alteration remains unclear.

Labcorp Genetics (formerly Invitae), Labcorp
Classification: Uncertain significance for Ataxia-telangiectasia syndrome. Last evaluated: 2025-03-11. Review status: criteria provided, single submitter. Criteria: Invitae Variant Classification Sherloc (09022015). Collection method: clinical testing. Allele origin: germline.
Comment: This sequence change replaces aspartic acid, which is acidic and polar, with tyrosine, which is neutral and polar, at codon 126 of the ATM protein (p.Asp126Tyr). This variant is not present in population databases (gnomAD no frequency). This variant has not been reported in the literature in individuals affected with ATM-related conditions. ClinVar contains an entry for this variant (Variation ID: 966043). Invitae Evidence Modeling of protein sequence and biophysical properties (such as structural, functional, and spatial information, amino acid conservation, physicochemical variation, residue mobility, and thermodynamic stability) indicates that this missense variant is not expected to disrupt ATM protein function with a negative predictive value of 95%. In summary, the available evidence is currently insufficient to determine the role of this variant in disease. Therefore, it has been classified as a Variant of Uncertain Significance.

KCCC/NGS Laboratory, Kuwait Cancer Control Center
Classification: Uncertain significance for Familial cancer of breast. Last evaluated: 2024-12-16. Review status: criteria provided, single submitter. Criteria: ACMG Guidelines, 2015. Collection method: clinical testing. Allele origin: germline. Inheritance: Autosomal dominant inheritance. Affected: yes. Observed: 1 heterozygote.
Comment: This sequence change replaces aspartic acid, which is acidic and polar, with tyrosine, which is neutral and polar, at codon 126 of the ATM protein (p.Asp126Tyr). This amino acid position is not well conserved.This variant is not present in population databases (gnomAD no frequency). This variant has not been reported in the literature in individuals affected with ATM-related conditions. ClinVar contains an entry for this variant (Variation ID: 966043). In addition, this alteration is predicted to be tolerated by in silico analysis. In summary, the available evidence is currently insufficient to determine the role of this variant in disease. Therefore, it has been classified as a Variant of Uncertain Significance.

PreventionGenetics, part of Exact Sciences
Classification: Uncertain significance for ATM-related condition. Last evaluated: 2022-12-20. Review status: criteria provided, single submitter. Criteria: ACMG Guidelines, 2015. Collection method: clinical testing. Allele origin: germline.
Comment: The ATM c.376G>T variant is predicted to result in the amino acid substitution p.Asp126Tyr. To our knowledge, this variant has not been reported in the literature or in a large population database, indicating this variant is rare. At this time, the clinical significance of this variant is uncertain due to the absence of conclusive functional and genetic evidence.

NM_000051.4(ATM):c.376G>T (p.Asp126Tyr)

Gene: ATM (ATM serine/threonine kinase; plus strand). Cytogenetic location: 11q22.3.
Variant type: single nucleotide variant.
Coding change: c.376G>T on transcript NM_000051.4 (MANE Select); coding-DNA position 376, G replaced by T.
Protein change: p.Asp126Tyr; replaces aspartic acid 126 with tyrosine.
Molecular consequence: missense variant.
Genome position (GRCh38, 1-based): chr11:108,235,714, G>T. VCF-style: chr11-108235714-G-T. GRCh37 (hg19) VCF-style: chr11-108106441-G-T.
Other names: c.376G>T, p.Asp126Tyr (NM_001351834.2); short protein forms D126Y.
Identifiers: ClinVar variation 966043 (VCV000966043.14), dbSNP rs2079238248, ClinGen allele CA382524783.